The following is an entry in ClinVar:

ClinVar aggregate classification (germline): Likely pathogenic. Review status: criteria provided, multiple submitters, no conflicts (2 of 4 stars). 2 submissions from 2 submitters: Likely pathogenic (2). Last evaluated 2025-09-16.

Conditions:
Loeys-Dietz syndrome 4 (LDS4). Also called: ANEURYSM, AORTIC AND CEREBRAL, WITH ARTERIAL TORTUOSITY AND SKELETAL MANIFESTATIONS; TGFB2-Related Loeys-Dietz Syndrome. Identifiers: MedGen C3553762, MONDO:0013897, OMIM 614816.
TGFB2-related disorder. Also called: TGFB2-related condition.

Submissions (2):

Labcorp Genetics (formerly Invitae), Labcorp
Classification: Likely pathogenic for Loeys-Dietz syndrome 4. Last evaluated: 2025-09-16. Review status: criteria provided, single submitter. Criteria: Invitae Variant Classification Sherloc (09022015). Collection method: clinical testing. Allele origin: germline.
Comment: This sequence change affects a donor splice site in intron 2 of the TGFB2 gene. It is expected to disrupt RNA splicing. Variants that disrupt the donor or acceptor splice site typically lead to a loss of protein function (PMID: 16199547), and loss-of-function variants in TGFB2 are known to be pathogenic (PMID: 22772368, 22772371, 30739908). This variant is not present in population databases (gnomAD no frequency). This variant has not been reported in the literature in individuals affected with TGFB2-related conditions. Algorithms developed to predict the effect of sequence changes on RNA splicing suggest that this variant may disrupt the consensus splice site. In summary, the currently available evidence indicates that the variant is pathogenic, but additional data are needed to prove that conclusively. Therefore, this variant has been classified as Likely Pathogenic.

Blueprint Genetics
Classification: Likely pathogenic for TGFB2-related disorders. Last evaluated: 2021-06-30. Review status: criteria provided, single submitter. Criteria: ACMG Guidelines, 2015. Collection method: clinical testing. Allele origin: germline. Affected: yes. Observed: 1 variant allele.

Literature cited by the submitters: PubMed 16199547 (cited by Labcorp Genetics (formerly Invitae), Labcorp); PubMed 22772368 (cited by Labcorp Genetics (formerly Invitae), Labcorp); PubMed 22772371 (cited by Labcorp Genetics (formerly Invitae), Labcorp); PubMed 30739908 (cited by Labcorp Genetics (formerly Invitae), Labcorp).

NM_003238.6(TGFB2):c.510+1G>A

Gene: TGFB2 (transforming growth factor beta 2; plus strand). Cytogenetic location: 1q41.
Variant type: single nucleotide variant.
Coding change: c.510+1G>A on transcript NM_003238.6 (MANE Select); the canonical splice donor site of the intron after coding-DNA position 510, G replaced by A.
Molecular consequence: splice donor variant.
Genome position (GRCh38, 1-based): chr1:218,405,333, G>A. VCF-style: chr1-218405333-G-A. GRCh37 (hg19) VCF-style: chr1-218578675-G-A.
Other names: c.594+1G>A (NM_001135599.4).
Identifiers: ClinVar variation 4727313 (VCV004727313.2).
Genomic context (GRCh38, chr1:218,405,333, plus strand): 5'-GTCTTTCGTTTGCAGAACCCAAAAGCCAGAGTGCCTGAACAACGGATTGAGCTATATCAG[G>A]TAATGTTCATTTGTTGTTGTTGTTGTTGTTGTTGTTGTTGTTTTAGACAGACTCTCTCTC-3'